The following is an entry in ClinVar:

ClinVar aggregate classification (germline): Uncertain significance (1 of 4 stars; one submission).

Allele frequency attached by ClinVar (database versions not stated): gnomAD exomes below 0.00001 and 0.00001; TOPMed 0.00001.
gnomAD v4.1: 4 of 1,613,936 alleles (0.00025%); highest among the groups gnomAD compares: Admixed American, 0.005%; no homozygotes.

Submission:

Labcorp Genetics (formerly Invitae), Labcorp
Classification: Uncertain significance. Last evaluated: 2025-03-18. Review status: criteria provided, single submitter. Criteria: Invitae Variant Classification Sherloc (09022015). Collection method: clinical testing. Allele origin: germline.
Comment: This sequence change replaces aspartic acid, which is acidic and polar, with valine, which is neutral and non-polar, at codon 1190 of the MYO5B protein (p.Asp1190Val). This variant is present in population databases (no rsID available, gnomAD 0.0009%). This variant has not been reported in the literature in individuals affected with MYO5B-related conditions. ClinVar contains an entry for this variant (Variation ID: 1445292). An algorithm developed to predict the effect of missense changes on protein structure and function (PolyPhen-2) suggests that this variant is likely to be tolerated. In summary, the available evidence is currently insufficient to determine the role of this variant in disease. Therefore, it has been classified as a Variant of Uncertain Significance.

NM_001080467.3(MYO5B):c.3569A>T (p.Asp1190Val)

Gene: MYO5B (myosin VB; minus strand). Cytogenetic location: 18q21.1.
Variant type: single nucleotide variant.
Coding change: c.3569A>T on transcript NM_001080467.3 (MANE Select); coding-DNA position 3569, A replaced by T.
Protein change: p.Asp1190Val; replaces aspartic acid 1190 with valine.
Molecular consequence: missense variant.
Genome position (GRCh38, 1-based): chr18:49,872,201, T>A on the plus strand (A>T on the coding strand, the complement: MYO5B is on the minus strand). VCF-style: chr18-49872201-T-A. GRCh37 (hg19) VCF-style: chr18-47398571-T-A.
Other names: short protein forms D1190V.
Identifiers: ClinVar variation 1445292 (VCV001445292.5), dbSNP rs867643879, ClinGen allele CA402427988.